The following is an entry in ClinVar:

ClinVar aggregate classification (germline): Uncertain significance (1 of 4 stars; one submission).

Submission:

Labcorp Genetics (formerly Invitae), Labcorp
Classification: Uncertain significance. Last evaluated: 2022-10-21. Review status: criteria provided, single submitter. Criteria: Invitae Variant Classification Sherloc (09022015). Collection method: clinical testing. Allele origin: germline.
Comment: A copy number gain of the genomic region encompassing the full coding sequence of the ATP6V1E1 gene has been identified. The boundaries of this event are unknown as they extend beyond the assayed region for this gene and therefore may encompass additional genes. As the precise location of this event is unknown, it may be in tandem or it may be located elsewhere in the genome. This variant has not been reported in the literature in individuals affected with ATP6V1E1-related conditions. In summary, the available evidence is currently insufficient to determine the role of this variant in disease. Therefore, it has been classified as a Variant of Uncertain Significance.

NC_000022.10:g.(?_18075440)_(18111401_?)dup

Gene: ATP6V1E1 (ATPase H+ transporting V1 subunit E1; minus strand). Cytogenetic location: 22q11.21.
Variant type: Duplication.
Identifiers: ClinVar variation 2424216 (VCV002424216.3).